The following is an entry in ClinVar:

NM_017908.4(ZNF446):c.983C>T (p.Pro328Leu)

Gene: ZNF446 (zinc finger protein 446; plus strand). Cytogenetic location: 19q13.43.
Variant type: single nucleotide variant.
Coding change: c.983C>T on transcript NM_017908.4 (MANE Select); coding-DNA position 983, C replaced by T.
Protein change: p.Pro328Leu; replaces proline 328 with leucine.
Molecular consequence: missense variant. On other transcripts: intron variant (1).
Genome position (GRCh38, 1-based): chr19:58,480,356, C>T. VCF-style: chr19-58480356-C-T. GRCh37 (hg19) VCF-style: chr19-58991723-C-T.
Other names: c.802+337C>T (NM_001304453.1); short protein forms P328L.
Identifiers: ClinVar variation 2650591 (VCV002650591.24), dbSNP rs34732619, ClinGen allele CA9717595.

ClinVar aggregate classification (germline): Likely benign (1 of 4 stars; one submission).

Allele frequency attached by ClinVar (database versions not stated): 1000 Genomes Project 0.00319; 1000 Genomes Project 30x 0.00375; gnomAD 0.00467; TOPMed 0.00492; ESP Exome Variant Server 0.00740; gnomAD exomes 0.00812; ExAC 0.01000.
gnomAD v4.1: 12,453 of 1,603,316 alleles (0.78%); highest among the groups gnomAD compares: Middle Eastern, 1.1%; 63 homozygotes.

Submission:

CeGaT Center for Human Genetics Tuebingen
Classification: Likely benign. Last evaluated: 2023-01-01. Review status: criteria provided, single submitter. Criteria: CeGaT Center For Human Genetics Tuebingen Variant Classification Criteria Version 2. Collection method: clinical testing. Allele origin: germline. Affected: yes. Observed: 1 variant allele.
Comment: ZNF446: BP4, BS2